The following is an entry in ClinVar:

ClinVar aggregate classification (germline): Uncertain significance (1 of 4 stars; one submission).

Conditions:
ALMS1-related disorder. Also called: ALMS1-related condition.

Submission:

PreventionGenetics, part of Exact Sciences
Classification: Uncertain significance for ALMS1-related condition. Last evaluated: 2025-01-29. Review status: criteria provided, single submitter. Criteria: ACMG Guidelines, 2015. Collection method: clinical testing. Allele origin: germline.
Comment: The ALMS1 c.5506G>C variant is predicted to result in the amino acid substitution p.Ala1836Pro. To our knowledge, this variant has not been reported in the literature or in a large population database (gnomAD), indicating this variant is rare. At this time, the clinical significance of this variant is uncertain due to the absence of conclusive functional and genetic evidence.

NM_001378454.1(ALMS1):c.5503G>C (p.Gly1835Arg)

Gene: ALMS1 (ALMS1 centrosome and basal body associated protein; plus strand). Cytogenetic location: 2p13.1.
Variant type: single nucleotide variant.
Coding change: c.5503G>C on transcript NM_001378454.1 (MANE Select); coding-DNA position 5503, G replaced by C.
Protein change: p.Gly1835Arg; replaces glycine 1835 with arginine.
Molecular consequence: missense variant.
Genome position (GRCh38, 1-based): chr2:73,452,030, G>C. VCF-style: chr2-73452030-G-C. GRCh37 (hg19) VCF-style: chr2-73679157-G-C.
Other names: c.5506G>C, p.Gly1836Arg (NM_015120.4); short protein forms G1836R, G1835R.
Identifiers: ClinVar variation 4982438 (VCV004982438.1).